The following is an entry in ClinVar:

ClinVar aggregate classification (germline): Likely pathogenic. Review status: criteria provided, multiple submitters, no conflicts (2 of 4 stars). 2 submissions from 2 submitters: Likely pathogenic (2). Last evaluated 2024-07-16.

Conditions:
Tay-Sachs disease (TSD). Also called: HEXA DEFICIENCY; GM2 gangliosidosis, type 1; Hexosaminidase alpha-subunit deficiency (variant B); Sphingolipidosis, Tay-Sachs; Hexosaminidase A Deficiency; HEXA Disorders. Identifiers: Orphanet 845, MedGen C0039373, MONDO:0010100, OMIM 272800.

gnomAD v4.1: 1 of 1,614,024 alleles (0.000062%); highest among the groups gnomAD compares: Non-Finnish European, 0.000085%; no homozygotes.

Submissions (2):

Natera, Inc.
Classification: Likely pathogenic for Tay-Sachs disease. Last evaluated: 2024-07-16. Review status: criteria provided, single submitter. Criteria: Natera Variant Classification Schema (03/2026). Collection method: clinical testing. Allele origin: germline.
Comment: The c.254-1G>C variant in HEXA is a canonical splice acceptor site variant predicted to affect pre-mRNA splicing, which may result in an abnormal transcript and altered protein product. This variant is expected to result in nonsense mediated decay, truncation, or a dysfunctional protein product. This variant is rare in the general population with a frequency below the threshold expected for the associated phenotype(s). Given the available evidence, this variant is classified as Likely Pathogenic.

Labcorp Genetics (formerly Invitae), Labcorp
Classification: Likely pathogenic for Tay-Sachs disease. Last evaluated: 2022-12-19. Review status: criteria provided, single submitter. Criteria: Invitae Variant Classification Sherloc (09022015). Collection method: clinical testing. Allele origin: germline.
Comment: This sequence change affects an acceptor splice site in intron 1 of the HEXA gene. It is expected to disrupt RNA splicing. Variants that disrupt the donor or acceptor splice site typically lead to a loss of protein function (PMID: 16199547), and loss-of-function variants in HEXA are known to be pathogenic (PMID: 1833974, 8490625). This variant is not present in population databases (gnomAD no frequency). This variant has not been reported in the literature in individuals affected with HEXA-related conditions. Algorithms developed to predict the effect of sequence changes on RNA splicing suggest that this variant may disrupt the consensus splice site. In summary, the currently available evidence indicates that the variant is pathogenic, but additional data are needed to prove that conclusively. Therefore, this variant has been classified as Likely Pathogenic.

Literature cited by the submitters: PubMed 16199547 (cited by Labcorp Genetics (formerly Invitae), Labcorp); PubMed 1833974 (cited by Labcorp Genetics (formerly Invitae), Labcorp); PubMed 8490625 (cited by Labcorp Genetics (formerly Invitae), Labcorp).

NM_000520.6(HEXA):c.254-1G>C

Gene: HEXA (hexosaminidase subunit alpha; minus strand). Cytogenetic location: 15q23.
Variant type: single nucleotide variant.
Coding change: c.254-1G>C on transcript NM_000520.6 (MANE Select); the canonical splice acceptor site of the intron before coding-DNA position 254, G replaced by C.
Molecular consequence: splice acceptor variant. On other transcripts: missense variant (1).
Genome position (GRCh38, 1-based): chr15:72,356,618, C>G on the plus strand (G>C on the coding strand, the complement: HEXA is on the minus strand). VCF-style: chr15-72356618-C-G. GRCh37 (hg19) VCF-style: chr15-72648959-C-G.
Other names: c.254-1G>C (NM_000520.5); c.286G>C, p.Gly96Arg (NM_001318825.2); short protein forms G96R.
Identifiers: ClinVar variation 2781739 (VCV002781739.4), dbSNP rs1316946673, ClinGen allele CA393067698.